The following is an entry in ClinVar:

ClinVar aggregate classification (germline): Likely pathogenic. Review status: criteria provided, multiple submitters, no conflicts (2 of 4 stars). 2 submissions from 2 submitters: Likely pathogenic (2). Last evaluated 2023-07-26.

Conditions:
Developmental and epileptic encephalopathy, 42 (DEE42A). Also called: Epileptic encephalopathy, early infantile, 42; DEVELOPMENTAL AND EPILEPTIC ENCEPHALOPATHY 42A; EPILEPTIC ENCEPHALOPATHY, EARLY INFANTILE, 42A. Identifiers: MedGen C4310716, MONDO:0014917, OMIM 617106.
Episodic ataxia type 2 (EA2). Also called: ATAXIA, EPISODIC, WITH NYSTAGMUS; ATAXIA, FAMILIAL PAROXYSMAL; CEREBELLAR ATAXIA, PAROXYSMAL, ACETAZOLAMIDE-RESPONSIVE; CEREBELLOPATHY, HEREDITARY PAROXYSMAL; EPISODIC ATAXIA, NYSTAGMUS-ASSOCIATED; ACETAZOLAMIDE-RESPONSIVE HEREDITARY PAROXYSMAL CEREBELLAR ATAXIA. Identifiers: Orphanet 97, MedGen C1720416, MONDO:0007163, OMIM 108500.

Submissions (2):

Clinical Genomics Laboratory, Washington University in St. Louis
Classification: Likely pathogenic for Episodic ataxia type 2; Developmental and epileptic encephalopathy, 42. Last evaluated: 2023-07-26. Review status: criteria provided, single submitter. Criteria: ACMG Guidelines, 2015. Collection method: clinical testing. Allele origin: germline. Affected: yes.
Comment: The CACNA1A c.1586_1587del (p.Phe529fs) variant, to our knowledge, has not been reported in the medical literature but has been reported in the ClinVar database as a germline likely pathogenic variant by one submitter. This variant is absent from the general population (gnomAD v.2.1.1), indicating it is not a common variant. This variant causes a frameshift by deleting two nucleotides, leading to a premature termination codon, which is predicted to lead to nonsense mediated decay. Additionally, other variants that introduce a premature termination codon in this region have been identified in individuals with CACNA1-related disorders and are considered pathogenic (Damaj L et al., PMID: 25735478; Sintas C et al., PMID: 28566750). Based on available information and the ACMG/AMP guidelines for variant interpretation (Richards S et al., PMID: 25741868), this variant is classified as likely pathogenic.

GeneDx
Classification: Likely pathogenic. Last evaluated: 2017-12-27. Review status: criteria provided, single submitter. Criteria: GeneDx Variant Classification (06012015). Collection method: clinical testing. Allele origin: germline. Affected: yes.
Comment: The c.1589_1590delTT variant in the CACNA1A gene has not been reported previously as a pathogenic variant nor as a benign variant, to our knowledge. The c.1589_1590delT variant causes a frameshift starting with codon Phenylalanine 530, changes this amino acid to a Tyrosine residue, and creates a premature Stop codon at position 25 of the new reading frame, denoted p.Phe530TyrfsX25. This variant is predicted to cause loss of normal protein function either through protein truncation or nonsense-mediated mRNA decay. The c.1589_1590delTT variant is not observed in large population cohorts (Lek et al., 2016). We interpret c.1589_1590delTT as a likely pathogenic variant.

NM_001127222.2(CACNA1A):c.1586_1587del (p.Phe529fs)

Gene: CACNA1A (calcium voltage-gated channel subunit alpha1 A; minus strand). Cytogenetic location: 19p13.13.
Variant type: Deletion.
Coding change: c.1586_1587del on transcript NM_001127222.2 (MANE Select); coding-DNA positions 1586 to 1587, 2 bases deleted (TT; older notation c.1586_1587delTT).
Protein change: p.Phe529fs; shifts the reading frame from phenylalanine 529.
Molecular consequence: frameshift variant.
Genome position (GRCh38, 1-based): chr19:13,312,750-13,312,751, AA deleted on the plus strand (TT on the coding strand, the reverse complement: CACNA1A is on the minus strand); deleting any 2 consecutive bases within chr19:13,312,750-13,312,752 gives the same sequence; the c. name uses the placement nearest the transcript's 3' end. VCF-style (leftmost placement, unchanged base first): chr19-13312749-TAA-T. GRCh37 (hg19) VCF-style: chr19-13423563-TAA-T.
Other names: c.1589_1590del, p.Phe530fs (NM_000068.4, NM_001127221.2, NM_001174080.2 and 1 more transcripts); c.1589_1590delTT (NM_001127221.1); short protein forms F530fs, F529fs.
Identifiers: ClinVar variation 504019 (VCV000504019.3), dbSNP rs1555761603, ClinGen allele CA658799162.
Genomic context (GRCh38, chr19:13,312,749, plus strand): 5'-AGGAAGAGTGGAAGTAAGGCCGCGTCCCAAGCCCGTACATTTTTATAAACATTTCGGACA[TAA>T]AGAGTCCTAAGAAAATGAATTCTGCATAGTCTAGAAGGGAGAAGGAGGAAACAGAGAGGA-3'